The following is an entry in ClinVar:

NM_000051.4(ATM):c.8787-13T>G

Genes: ATM (ATM serine/threonine kinase; plus strand), C11orf65 (chromosome 11 open reading frame 65; minus strand). Cytogenetic location: 11q22.3.
Variant type: single nucleotide variant.
Coding change: c.8787-13T>G on transcript NM_000051.4 (MANE Select); 13 bases into the intron before coding-DNA position 8787, T replaced by G.
Molecular consequence: intron variant.
Genome position (GRCh38, 1-based): chr11:108,354,798, T>G. VCF-style: chr11-108354798-T-G. GRCh37 (hg19) VCF-style: chr11-108225525-T-G.
Other names: c.8787-13T>G (NM_001351834.2); c.640+31122A>C (NM_001330368.2); c.695-19506A>C (NM_001351110.2).
Identifiers: ClinVar variation 628109 (VCV000628109.7), dbSNP rs1565582198, ClinGen allele CA913188443.
Genomic context (GRCh38, chr11:108,354,798, plus strand): 5'-AGTATACAGATAAAGATACGTTGACAACATTGGTGTGTAACAAAATCCGTATTTATAATG[T>G]GTTTGACTCTAGATGCTGTGAGAAAACCATGGAAGTGATGAGAAACTCTCAGGAAACTCT-3'

ClinVar aggregate classification (germline): Uncertain significance (1 of 4 stars; one submission).

Conditions:
Hereditary cancer-predisposing syndrome. Also called: Tumor predisposition; Hereditary neoplastic syndrome; Neoplastic Syndromes, Hereditary; Hereditary Cancer Syndrome. Identifiers: Orphanet 140162, MedGen C0027672, MeSH D009386, MONDO:0015356.

Submission:

Color Diagnostics, LLC DBA Color Health
Classification: Uncertain significance for Hereditary cancer-predisposing syndrome. Last evaluated: 2021-09-17. Review status: criteria provided, single submitter. Criteria: ACMG Guidelines, 2015. Collection method: clinical testing. Allele origin: germline.
Comment: This variant causes a T to G nucleotide substitution at the -13 position of intron 60 of the ATM gene. Splice site prediction tools suggest that this variant may impact RNA splicing. An RNA study has shown that about 50% of transcripts produced from this variant allele are mutant transcripts and expected to result in absent or non-functional protein product (PMID: 31843900). However, the other 50% of transcripts produced from the variant allele are normal wild-type transcripts. The clinical significance of this observation is not known. To our knowledge, this variant has not been reported in individuals affected with hereditary cancer in the literature. This variant has not been identified in the general population by the Genome Aggregation Database (gnomAD). The available evidence is insufficient to determine the role of this variant in disease conclusively. Therefore, this variant is classified as a Variant of Uncertain Significance.

Literature cited by the submitters: PubMed 31843900.